The following is an entry in ClinVar:

NM_004655.4(AXIN2):c.2305T>G (p.Phe769Val)

Gene: AXIN2 (axin 2; minus strand). Cytogenetic location: 17q24.1.
Variant type: single nucleotide variant.
Coding change: c.2305T>G on transcript NM_004655.4 (MANE Select); coding-DNA position 2305, T replaced by G.
Protein change: p.Phe769Val; replaces phenylalanine 769 with valine.
Molecular consequence: missense variant.
Genome position (GRCh38, 1-based): chr17:65,534,012, A>C on the plus strand (T>G on the coding strand, the complement: AXIN2 is on the minus strand). VCF-style: chr17-65534012-A-C. GRCh37 (hg19) VCF-style: chr17-63530130-A-C.
Other names: c.2110T>G, p.Phe704Val (NM_001363813.1); short protein forms F704V, F769V.
Identifiers: ClinVar variation 3224395 (VCV003224395.1), dbSNP rs2144419482, ClinGen allele CA400675548.
Genomic context (GRCh38, chr17:65,534,012, plus strand): 5'-CCAGGGTCAAGCTCTGAGCCTTCAGCATCCTCCGGTATGGAATTTCTTCCCCACAGAAAA[A>C]GTAAGTGACAACCAACTCACTGGCCTGGAGCGCGTGGACACCTGCCAGTTTCTTTGGCTC-3'
Protein context (NP_004646.3, residues 759-779): LQASELVVTY[Phe769Val]FCGEEIPYRR

ClinVar aggregate classification (germline): Uncertain significance (1 of 4 stars; one submission).

Conditions:
Hereditary cancer-predisposing syndrome. Also called: Tumor predisposition; Hereditary neoplastic syndrome; Hereditary Cancer Syndrome; Neoplastic Syndromes, Hereditary. Identifiers: Orphanet 140162, MedGen C0027672, MeSH D009386, MONDO:0015356.

Submission:

Ambry Genetics
Classification: Uncertain significance for Hereditary cancer-predisposing syndrome. Last evaluated: 2024-02-02. Review status: criteria provided, single submitter. Criteria: Ambry Variant Classification Scheme 2023. Collection method: clinical testing. Allele origin: germline.
Comment: The p.F769V variant (also known as c.2305T>G), located in coding exon 9 of the AXIN2 gene, results from a T to G substitution at nucleotide position 2305. The phenylalanine at codon 769 is replaced by valine, an amino acid with highly similar properties. This amino acid position is conserved. In addition, this alteration is predicted to be deleterious by in silico analysis. Based on the available evidence, the clinical significance of this alteration remains unclear.